The following is an entry in ClinVar:

ClinVar aggregate classification (germline): Uncertain significance (1 of 4 stars; one submission).

Conditions:
Bethlem myopathy 1A. Also called: Bethlem Muscular Dystrophy; Bethlem myopathy 1; MYOPATHY, BENIGN CONGENITAL, WITH CONTRACTURES. Identifiers: Orphanet 610, MedGen CN029274, MONDO:0024530, OMIM 158810.

Allele frequency attached by ClinVar (database versions not stated): gnomAD exomes below 0.00001.

Submission:

Labcorp Genetics (formerly Invitae), Labcorp
Classification: Uncertain significance for Bethlem myopathy 1A. Last evaluated: 2019-10-03. Review status: criteria provided, single submitter. Criteria: Invitae Variant Classification Sherloc (09022015). Collection method: clinical testing. Allele origin: germline.
Comment: In summary, the available evidence is currently insufficient to determine the role of this variant in disease. Therefore, it has been classified as a Variant of Uncertain Significance. Algorithms developed to predict the effect of missense changes on protein structure and function are either unavailable or do not agree on the potential impact of this missense change (SIFT: "Deleterious"; PolyPhen-2: "Not Available"; Align-GVGD: "Class C0"). This variant has not been reported in the literature in individuals with COL6A3-related conditions. This variant is not present in population databases (ExAC no frequency). This sequence change replaces arginine with lysine at codon 3139 of the COL6A3 protein (p.Arg3139Lys). The arginine residue is highly conserved and there is a small physicochemical difference between arginine and lysine.

NM_004369.4(COL6A3):c.9416G>A (p.Arg3139Lys)

Genes: COL6A3 (collagen type VI alpha 3 chain; minus strand), LOC126806573 (CDK7 strongly-dependent group 2 enhancer GRCh37_chr2:238233151-238234350; plus strand). Cytogenetic location: 2q37.3.
Variant type: single nucleotide variant.
Coding change: c.9416G>A on transcript NM_004369.4 (MANE Select); coding-DNA position 9416, G replaced by A.
Protein change: p.Arg3139Lys; replaces arginine 3139 with lysine.
Molecular consequence: missense variant.
Genome position (GRCh38, 1-based): chr2:237,325,637, C>T on the plus strand (G>A on the coding strand, the complement: COL6A3 is on the minus strand). VCF-style: chr2-237325637-C-T. GRCh37 (hg19) VCF-style: chr2-238234280-C-T.
Other names: c.7595G>A, p.Arg2532Lys (NM_057166.5); c.8798G>A, p.Arg2933Lys (NM_057167.4); short protein forms R3139K, R2532K, R2933K.
Identifiers: ClinVar variation 971277 (VCV000971277.10), dbSNP rs1699900051, ClinGen allele CA351185497.